The following is an entry in ClinVar:

NM_007294.3(BRCA1):c.*2670A>T

Gene: BRCA1 (BRCA1 DNA repair associated; minus strand). Cytogenetic location: 17q21.31.
Variant type: single nucleotide variant.
Coding change: c.*2670A>T on transcript NM_007294.3; 2670 bases downstream of the stop codon, A replaced by T.
Genome position (GRCh38, 1-based): chr17:43,043,008, T>A on the plus strand (A>T on the coding strand, the complement: BRCA1 is on the minus strand). VCF-style: chr17-43043008-T-A. GRCh37 (hg19) VCF-style: chr17-41195025-T-A.
Other names: 8381 A>T.
Identifiers: ClinVar variation 209228 (VCV000209228.3), dbSNP rs11659028, ClinGen allele CA276204.
Genomic context (GRCh38, chr17:43,043,008, plus strand): 5'-CTACTAACACCGAGACTCATCAACTCACTGGCAGGTAGACAGGGAGCTGGCATGGGCCCT[T>A]GGGAAGTCAAGCTGTAGGTGAGGATGAACTGGAAGGCTTTGACAACTAAGATACACAGTC-3'

ClinVar aggregate classification (germline): Benign (3 of 4 stars; one submission).

Conditions:
Breast-ovarian cancer, familial, susceptibility to, 1 (BROVCA1). Also called: OVARIAN CANCER, SUSCEPTIBILITY TO; BRCA1 Hereditary Breast and Ovarian Cancer. Identifiers: Orphanet 145, MedGen C2676676, MONDO:0011450, OMIM 604370. Disease mechanism: loss of function.

Allele frequency attached by ClinVar (database versions not stated): 1000 Genomes Project 0.34225; 1000 Genomes Project 30x 0.33463; gnomAD 0.31071 and 0.30349; TOPMed 0.29148.

Submission:

Evidence-based Network for the Interpretation of Germline Mutant Alleles (ENIGMA)
Classification: Benign for Breast-ovarian cancer, familial 1. Last evaluated: 2015-01-12. Review status: reviewed by expert panel. Criteria: ENIGMA BRCA1/2 Classification Criteria (2015). Collection method: curation. Allele origin: germline.
Comment: Class 1 not pathogenic based on frequency >1% in an outbred sampleset. Frequency 0.33 (Asian), 0.22 (African), 0.36 (European), derived from 1000 genomes (2012-04-30).